The following is an entry in ClinVar:

NM_000257.4(MYH7):c.580T>G (p.Tyr194Asp)

Gene: MYH7 (myosin heavy chain 7; minus strand). Cytogenetic location: 14q11.2.
Variant type: single nucleotide variant.
Coding change: c.580T>G on transcript NM_000257.4 (MANE Select); coding-DNA position 580, T replaced by G.
Protein change: p.Tyr194Asp; replaces tyrosine 194 with aspartic acid.
Molecular consequence: missense variant.
Genome position (GRCh38, 1-based): chr14:23,431,820, A>C on the plus strand (T>G on the coding strand, the complement: MYH7 is on the minus strand). VCF-style: chr14-23431820-A-C. GRCh37 (hg19) VCF-style: chr14-23901029-A-C.
Other names: c.580T>G, p.Tyr194Asp (NM_001407004.1); short protein forms Y194D.
Identifiers: ClinVar variation 4860589 (VCV004860589.1).

ClinVar aggregate classification (germline): Uncertain significance (1 of 4 stars; one submission).

Conditions:
Cardiovascular phenotype. Identifiers: MedGen CN230736.

Submission:

Ambry Genetics
Classification: Uncertain significance for Cardiovascular phenotype. Last evaluated: 2026-04-30. Review status: criteria provided, single submitter. Criteria: Ambry Variant Classification Scheme 2023. Collection method: clinical testing. Allele origin: germline.
Comment: The p.Y194D variant (also known as c.580T>G), located in coding exon 5 of the MYH7 gene, results from a T to G substitution at nucleotide position 580. The tyrosine at codon 194 is replaced by aspartic acid, an amino acid with highly dissimilar properties. This amino acid position is highly conserved in available vertebrate species. In addition, this alteration is predicted to be deleterious by in silico analysis. Based on the available evidence, the clinical significance of this variant remains unclear